The following is an entry in ClinVar:

ClinVar aggregate classification (germline): Uncertain significance. Review status: criteria provided, multiple submitters, no conflicts (2 of 4 stars). 2 submissions from 2 submitters: Uncertain significance (2). Last evaluated 2025-04-19.

Conditions:
SEMA6B-related disorder. Also called: SEMA6B-related condition.
Inborn genetic diseases. Identifiers: MedGen C0950123, MeSH D030342.

Allele frequency attached by ClinVar (database versions not stated): gnomAD 0.00001; TOPMed 0.00003; 1000 Genomes Project 30x 0.00016.
gnomAD v4.1: 5 of 1,274,324 alleles (0.00039%); highest among the groups gnomAD compares: East Asian, 0.013%; no homozygotes.

Submissions (2):

PreventionGenetics, part of Exact Sciences
Classification: Uncertain significance for SEMA6B-related condition. Last evaluated: 2025-04-19. Review status: criteria provided, single submitter. Criteria: ACMG Guidelines, 2015. Collection method: clinical testing. Allele origin: germline.
Comment: The SEMA6B c.2041C>A variant is predicted to result in the amino acid substitution p.Leu681Met. To our knowledge, this variant has not been reported in the literature or in a large population database (gnomAD), indicating this variant is rare. At this time, the clinical significance of this variant is uncertain due to the absence of conclusive functional and genetic evidence.

Ambry Genetics
Classification: Uncertain significance for Inborn genetic diseases. Last evaluated: 2023-05-17. Review status: criteria provided, single submitter. Criteria: Ambry Variant Classification Scheme 2023. Collection method: clinical testing. Allele origin: germline.

NM_032108.4(SEMA6B):c.2041C>A (p.Leu681Met)

Gene: SEMA6B (semaphorin 6B; minus strand). Cytogenetic location: 19p13.3.
Variant type: single nucleotide variant.
Coding change: c.2041C>A on transcript NM_032108.4 (MANE Select); coding-DNA position 2041, C replaced by A.
Protein change: p.Leu681Met; replaces leucine 681 with methionine.
Molecular consequence: missense variant.
Genome position (GRCh38, 1-based): chr19:4,544,227, G>T on the plus strand (C>A on the coding strand, the complement: SEMA6B is on the minus strand). VCF-style: chr19-4544227-G-T. GRCh37 (hg19) VCF-style: chr19-4544239-G-T.
Other names: short protein forms L681M.
Identifiers: ClinVar variation 2510405 (VCV002510405.3), dbSNP rs763869846, ClinGen allele CA9102268.
Genomic context (GRCh38, chr19:4,544,227, plus strand): 5'-CGTGGGGCCCGCCCTGCAGCAGCGTGGCCTTGGCCCAGCCGTTCTGCATCAGGGGCGCCA[G>T]CAGGGCCTCCGGGGGAACCCCGGCGCCACCGCCACCGCCTCCGCCCCGGCCCCCGGGACC-3'
Protein context (NP_115484.2, residues 671-691): GGAGVPPEAL[Leu681Met]APLMQNGWAK